The following is an entry in ClinVar:

ClinVar aggregate classification (germline): Likely benign. Review status: criteria provided, multiple submitters, no conflicts (2 of 4 stars). 3 submissions from 3 submitters: Likely benign (3). Last evaluated 2024-02-16.

Conditions:
Inborn genetic diseases. Identifiers: MedGen C0950123, MeSH D030342.

Submissions (3):

Labcorp Genetics (formerly Invitae), Labcorp
Classification: Likely benign. Last evaluated: 2024-02-16. Review status: criteria provided, single submitter. Criteria: Invitae Variant Classification Sherloc (09022015). Collection method: clinical testing. Allele origin: germline.

CeGaT Center for Human Genetics Tuebingen
Classification: Likely benign. Last evaluated: 2023-01-01. Review status: criteria provided, single submitter. Criteria: CeGaT Center For Human Genetics Tuebingen Variant Classification Criteria Version 2. Collection method: clinical testing. Allele origin: germline. Affected: yes. Observed: 1 variant allele.
Comment: ERCC2: BP4, BP7

Ambry Genetics
Classification: Likely benign for Inborn genetic diseases. Last evaluated: 2022-05-26. Review status: criteria provided, single submitter. Criteria: Ambry Variant Classification Scheme 2023. Collection method: clinical testing. Allele origin: germline.

NM_000400.4(ERCC2):c.192G>A (p.Pro64=)

Gene: ERCC2 (ERCC excision repair 2, TFIIH core complex helicase subunit; minus strand). Cytogenetic location: 19q13.32.
Variant type: single nucleotide variant.
Coding change: c.192G>A on transcript NM_000400.4 (MANE Select); coding-DNA position 192, G replaced by A.
Protein change: p.Pro64=; no amino-acid change (proline 64 retained).
Molecular consequence: synonymous variant.
Genome position (GRCh38, 1-based): chr19:45,368,984, C>T on the plus strand (G>A on the coding strand, the complement: ERCC2 is on the minus strand). VCF-style: chr19-45368984-C-T. GRCh37 (hg19) VCF-style: chr19-45872242-C-T.
Other names: c.120G>A, p.Pro40= (NM_001130867.2).
Identifiers: ClinVar variation 1782850 (VCV001782850.29), dbSNP rs1337079900, ClinGen allele CA507953699.